The following is an entry in ClinVar:

ClinVar aggregate classification (germline): Benign/Likely benign. Review status: criteria provided, multiple submitters, no conflicts (2 of 4 stars). 5 submissions from 4 submitters: Benign (2); Likely benign (3). Last evaluated 2025-10-17.

Conditions:
Brain small vessel disease 1 with or without ocular anomalies (BSVD1). Also called: GOULD SYNDROME 1; BRAIN SMALL VESSEL DISEASE WITH HEMORRHAGE; PORENCEPHALY, TYPE 1, AUTOSOMAL DOMINANT; Brain small vessel disease with or without ocular anomalies. Identifiers: Orphanet 2940, Orphanet 36383, Orphanet 99810, MedGen C4755307, MONDO:0008289, OMIM 175780.
Retinal arterial tortuosity. Also called: Retinal arteries, tortuosity of; RETINAL HEMORRHAGE WITH VASCULAR TORTUOSITY. Identifiers: Orphanet 75326, MedGen C0423401, MONDO:0008373, OMIM 180000, HP:0000631.
Autosomal dominant familial hematuria-retinal arteriolar tortuosity-contractures syndrome. Also called: Angiopathy, hereditary, with nephropathy, aneurysms, and muscle cramps; Hereditary Angiopathy with Nephropathy, Aneurysms, and Muscle Cramps (HANAC) Syndrome. Identifiers: Orphanet 73229, MedGen C2673195, MONDO:0012726, OMIM 611773.
Hemorrhage, intracerebral, susceptibility to (ICH). Also called: Stroke, hemorrhagic, susceptibility to. Identifiers: MedGen C3281105, MONDO:0100533, OMIM 614519.
Microangiopathy and leukoencephalopathy, pontine, autosomal dominant. Also called: Pontine autosomal dominant microangiopathy with leukoencephalopathy; DEMENTIA, HEREDITARY MULTI-INFARCT, SWEDISH TYPE. Identifiers: Orphanet 477749, MedGen C5231411, MONDO:0032814, OMIM 618564.

Allele frequency attached by ClinVar (database versions not stated): gnomAD exomes 0.00001 and 0.00004; ExAC 0.00008; ESP Exome Variant Server 0.00015; gnomAD 0.00021 and 0.00024; TOPMed 0.00023; 1000 Genomes Project 30x 0.00031; 1000 Genomes Project 0.00040.
gnomAD v4.1: 51 of 1,614,196 alleles (0.0032%); highest among the groups gnomAD compares: African/African-American, 0.055%; no homozygotes.

Submissions (5):

Labcorp Genetics (formerly Invitae), Labcorp
Classification: Likely benign. Last evaluated: 2025-10-17. Review status: criteria provided, single submitter. Criteria: Invitae Variant Classification Sherloc (09022015). Collection method: clinical testing. Allele origin: germline.

Women's Health and Genetics/Laboratory Corporation of America, LabCorp
Classification: Likely benign. Last evaluated: 2025-05-14. Review status: criteria provided, single submitter. Criteria: LabCorp Variant Classification Summary - May 2015. Collection method: clinical testing. Allele origin: germline.

Fulgent Genetics
Classification: Likely benign for Brain small vessel disease 1 with or without ocular anomalies; Retinal arterial tortuosity; Autosomal dominant familial hematuria-retinal arteriolar tortuosity-contractures syndrome; Hemorrhage, intracerebral, susceptibility to; Microangiopathy and leukoencephalopathy, pontine, autosomal dominant. Last evaluated: 2021-09-20. Review status: criteria provided, single submitter. Criteria: ACMG Guidelines, 2015. Collection method: clinical testing. Allele origin: unknown.

Illumina Laboratory Services, Illumina
Classification: Benign for Brain small vessel disease 1 with or without ocular anomalies. Last evaluated: 2018-01-12. Review status: criteria provided, single submitter. Criteria: ICSL Variant Classification Criteria 13 December 2019. Collection method: clinical testing. Allele origin: germline.
Comment: This variant was observed in the ICSL laboratory as part of a predisposition screen in an ostensibly healthy population. It had not been previously curated by ICSL or reported in the Human Gene Mutation Database (HGMD: prior to June 1st, 2018), and was therefore a candidate for classification through an automated scoring system. Utilizing variant allele frequency, disease prevalence and penetrance estimates, and inheritance mode, an automated score was calculated to assess if this variant is too frequent to cause the disease. Based on the score and internal cut-off values, a variant classified as benign is not then subjected to further curation. The score for this variant resulted in a classification of benign for this disease.

Illumina Laboratory Services, Illumina
Classification: Benign for Autosomal dominant familial hematuria-retinal arteriolar tortuosity-contractures syndrome. Last evaluated: 2018-01-12. Review status: criteria provided, single submitter. Criteria: ICSL Variant Classification Criteria 13 December 2019. Collection method: clinical testing. Allele origin: germline.
Comment: the same text as in the submission from Illumina Laboratory Services, Illumina above.

NM_001845.6(COL4A1):c.831A>G (p.Lys277=)

Gene: COL4A1 (collagen type IV alpha 1 chain; minus strand). Cytogenetic location: 13q34.
Variant type: single nucleotide variant.
Coding change: c.831A>G on transcript NM_001845.6 (MANE Select); coding-DNA position 831, A replaced by G.
Protein change: p.Lys277=; no amino-acid change (lysine 277 retained).
Molecular consequence: synonymous variant.
Genome position (GRCh38, 1-based): chr13:110,206,692, T>C on the plus strand (A>G on the coding strand, the complement: COL4A1 is on the minus strand). VCF-style: chr13-110206692-T-C. GRCh37 (hg19) VCF-style: chr13-110859039-T-C.
Other names: c.831A>G, p.Lys277= (NM_001303110.2).
Identifiers: ClinVar variation 730908 (VCV000730908.17), dbSNP rs140978802, ClinGen allele CA7048294.